The following is an entry in ClinVar:

NM_020779.4(WDR35):c.2915A>G (p.Glu972Gly)

Gene: WDR35 (WD repeat domain 35; minus strand). Cytogenetic location: 2p24.1.
Variant type: single nucleotide variant.
Coding change: c.2915A>G on transcript NM_020779.4 (MANE Select); coding-DNA position 2915, A replaced by G.
Protein change: p.Glu972Gly; replaces glutamic acid 972 with glycine.
Molecular consequence: missense variant.
Genome position (GRCh38, 1-based): chr2:19,931,318, T>C on the plus strand (A>G on the coding strand, the complement: WDR35 is on the minus strand). VCF-style: chr2-19931318-T-C. GRCh37 (hg19) VCF-style: chr2-20131079-T-C.
Other names: c.2948A>G, p.Glu983Gly (NM_001006657.2); short protein forms E983G, E972G.
Identifiers: ClinVar variation 167844 (VCV000167844.29), dbSNP rs1191778, ClinGen allele CA180497.

ClinVar aggregate classification (germline): Benign. Review status: criteria provided, multiple submitters, no conflicts (2 of 4 stars). 15 submissions from 13 submitters: Benign (12). 3 of the submissions do not count toward it. Last evaluated 2026-02-04.

Conditions:
Cranioectodermal dysplasia 2 (CED2). Identifiers: Orphanet 1515, MedGen C3150874, MONDO:0013323, OMIM 613610.
Short-rib thoracic dysplasia 7 with or without polydactyly (SRTD7). Also called: Short rib polydactyly syndrome 5; SHORT-RIB THORACIC DYSPLASIA 7 WITH POLYDACTYLY. Identifiers: Orphanet 498497, Orphanet 93271, MedGen C3279792, MONDO:0013569, OMIM 614091.

Allele frequency attached by ClinVar (database versions not stated): ExAC 0.33223; 1000 Genomes Project 0.23243; 1000 Genomes Project 30x 0.23345; TOPMed 0.30512; gnomAD 0.31071 and 0.31383; gnomAD exomes 0.37403 and 0.33738; ESP Exome Variant Server 0.32078.
gnomAD v4.1: 592,658 of 1,612,832 alleles (37%); highest among the groups gnomAD compares: Non-Finnish European, 40%; 114,307 homozygotes.

Submissions (15):

Labcorp Genetics (formerly Invitae), Labcorp
Classification: Benign for Cranioectodermal dysplasia 2; Short-rib thoracic dysplasia 7 with or without polydactyly. Last evaluated: 2026-02-04. Review status: criteria provided, single submitter. Criteria: Invitae Variant Classification Sherloc (09022015). Collection method: clinical testing. Allele origin: germline.

Blueprint Genetics
Classification: Benign. Last evaluated: 2024-11-26. Review status: criteria provided, single submitter. Criteria: ACMG Guidelines, 2015. Collection method: clinical testing. Allele origin: germline.

Mayo Clinic Laboratories, Mayo Clinic
Classification: Benign. Last evaluated: 2022-03-09. Review status: criteria provided, single submitter. Criteria: ACMG Guidelines, 2015. Collection method: clinical testing. Allele origin: germline. Observed: 90 variant alleles.

Genome-Nilou Lab
Classification: Benign for Cranioectodermal dysplasia 2. Last evaluated: 2021-12-05. Review status: criteria provided, single submitter. Criteria: ACMG Guidelines, 2015. Collection method: clinical testing. Allele origin: germline. Affected: no.

Genome-Nilou Lab
Classification: Benign for Short-rib thoracic dysplasia 7 with or without polydactyly. Last evaluated: 2021-12-05. Review status: criteria provided, single submitter. Criteria: ACMG Guidelines, 2015. Collection method: clinical testing. Allele origin: germline. Affected: no.

Mendelics
Classification: Benign for Cranioectodermal dysplasia 2. Last evaluated: 2019-05-28. Review status: criteria provided, single submitter. Criteria: Mendelics Assertion Criteria 2017. Collection method: clinical testing. Allele origin: unknown.

Illumina Laboratory Services, Illumina
Classification: Benign for Short-rib thoracic dysplasia 7 with or without polydactyly. Last evaluated: 2018-01-12. Review status: criteria provided, single submitter. Criteria: ICSL Variant Classification Criteria 13 December 2019. Collection method: clinical testing. Allele origin: germline.
Comment: This variant was observed in the ICSL laboratory as part of a predisposition screen in an ostensibly healthy population. It had not been previously curated by ICSL or reported in the Human Gene Mutation Database (HGMD: prior to June 1st, 2018), and was therefore a candidate for classification through an automated scoring system. Utilizing variant allele frequency, disease prevalence and penetrance estimates, and inheritance mode, an automated score was calculated to assess if this variant is too frequent to cause the disease. Based on the score and internal cut-off values, a variant classified as benign is not then subjected to further curation. The score for this variant resulted in a classification of benign for this disease.

Illumina Laboratory Services, Illumina
Classification: Benign for Cranioectodermal dysplasia 2. Last evaluated: 2018-01-12. Review status: criteria provided, single submitter. Criteria: ICSL Variant Classification Criteria 13 December 2019. Collection method: clinical testing. Allele origin: germline.
Comment: the same text as in the submission from Illumina Laboratory Services, Illumina above.

GeneDx
Classification: Benign. Last evaluated: 2017-10-26. Review status: criteria provided, single submitter. Criteria: GeneDx Variant Classification (06012015). Collection method: clinical testing. Allele origin: germline. Affected: yes.
Comment: This variant is considered likely benign or benign based on one or more of the following criteria: it is a conservative change, it occurs at a poorly conserved position in the protein, it is predicted to be benign by multiple in silico algorithms, and/or has population frequency not consistent with disease.

Eurofins Ntd Llc (ga)
Classification: Benign. Last evaluated: 2014-04-26. Review status: criteria provided, single submitter. Criteria: EGL Classification Definitions 2015. Collection method: clinical testing. Allele origin: germline. Observed: 1 variant allele, 1 heterozygote.

Breakthrough Genomics
Classification: Benign. Review status: criteria provided, single submitter. Criteria: ACMG Guidelines, 2015. Collection method: not provided. Allele origin: germline. Inheritance: Autosomal recessive inheritance. Affected: yes.

PreventionGenetics, part of Exact Sciences
Classification: Benign. Review status: criteria provided, single submitter. Criteria: ACMG Guidelines, 2015. Collection method: clinical testing. Allele origin: germline.

Clinical Genetics DNA and cytogenetics Diagnostics Lab, Erasmus MC, Erasmus Medical Center
Classification: Benign. Review status: no assertion criteria provided. Collection method: clinical testing. Allele origin: germline. Affected: yes. Study: VKGL Data-share Consensus. Not counted in ClinVar's aggregate classification.

Diagnostic Laboratory, Department of Genetics, University Medical Center Groningen
Classification: Benign. Review status: no assertion criteria provided. Collection method: clinical testing. Allele origin: germline. Affected: yes. Study: VKGL Data-share Consensus. Not counted in ClinVar's aggregate classification.

Joint Genome Diagnostic Labs from Nijmegen and Maastricht, Radboudumc and MUMC+
Classification: Benign. Review status: no assertion criteria provided. Collection method: clinical testing. Allele origin: germline. Affected: yes. Study: VKGL Data-share Consensus. Not counted in ClinVar's aggregate classification.